The following is an entry in ClinVar:

NM_019844.4(SLCO1B3):c.83A>C (p.Lys28Thr)

Genes: SLCO1B3-SLCO1B7 (SLCO1B3-SLCO1B7 readthrough; plus strand), SLCO1B3 (solute carrier organic anion transporter family member 1B3; plus strand). Cytogenetic location: 12p12.2.
Variant type: single nucleotide variant.
Coding change: c.83A>C on transcript NM_019844.4 (MANE Select); coding-DNA position 83, A replaced by C.
Protein change: p.Lys28Thr; replaces lysine 28 with threonine.
Molecular consequence: missense variant.
Genome position (GRCh38, 1-based): chr12:20,815,821, A>C. VCF-style: chr12-20815821-A-C. GRCh37 (hg19) VCF-style: chr12-20968755-A-C.
Other names: c.83A>C, p.Lys28Thr (NM_001371097.1); short protein forms K28T.
Identifiers: ClinVar variation 2585172 (VCV002585172.1), dbSNP rs563634489, ClinGen allele CA6475042.

ClinVar aggregate classification (germline): Uncertain significance (1 of 4 stars; one submission).

Conditions:
Rotor syndrome (HBLRR). Also called: HYPERBILIRUBINEMIA, ROTOR TYPE, DIGENIC; HYPERBILIRUBINEMIA, ROTOR TYPE. Identifiers: Orphanet 3111, MedGen C0220991, MONDO:0009379, OMIM 237450.

Allele frequency attached by ClinVar (database versions not stated): ExAC 0.00001.
gnomAD v4.1: 3 of 1,572,056 alleles (0.00019%); highest among the groups gnomAD compares: South Asian, 0.0036%; no homozygotes.

Submission:

Neuberg Centre For Genomic Medicine, NCGM
Classification: Uncertain significance for Rotor syndrome. Review status: criteria provided, single submitter. Criteria: ACMG Guidelines, 2015. Collection method: clinical testing. Allele origin: germline. Inheritance: Autosomal recessive inheritance. Affected: yes.
Comment: The missense c.83A>C (p.Lys28Thr) variant in SLCO1B3 gene has not been reported previously as a pathogenic variant nor as a benign variant, to our knowledge. This variant is reported with the allele frequency 0.0008% in the gnomAD and novel in 1000 genome database. The amino acid Lys at position 28 is changed to a Thr changing protein sequence and it might alter its composition and physico-chemical properties. The amino acid change p.Lys28Thr in SLCO1B3 is predicted as conserved by GERP++ and PhyloP across 100 vertebrates. For these reasons, this variant has been classified as Uncertain Significance. In the absence of second reportable variant , the molecular diagnosis is not confirmed.